The following is an entry in ClinVar:

ClinVar aggregate classification (germline): Conflicting classifications of pathogenicity. Review status: criteria provided, conflicting classifications (1 of 4 stars). 7 submissions from 7 submitters: Pathogenic (3); Uncertain significance (1). 3 of the submissions do not count toward it. Last evaluated 2026-08-01.

Conditions:
Glycogen storage disease, type I. Identifiers: Orphanet 364, MedGen C0017920, MONDO:0002413.
Glucose-6-phosphate transport defect (GSD1B). Also called: GSD Ib; Glycogen Storage Disease Type Ib. Identifiers: Orphanet 364, Orphanet 79259, MedGen C0268146, MONDO:0009288, OMIM 232220.
Hepatomegaly. Identifiers: MedGen C0019209, HP:0002240.
Immunodeficiency. Identifiers: MedGen C0021051, MONDO:0021094, HP:0002721.
Recurrent respiratory infections. Identifiers: MedGen C3806482, HP:0002205.
Splenomegaly. Also called: Enlarged Spleen. Identifiers: MedGen C0038002, HP:0001744.
Decreased total neutrophil count. Also called: Neutropenia. Identifiers: MedGen C0853697, MONDO:0001475, HP:0001875.
Decreased total leukocyte count. Also called: Leukopenia. Identifiers: MedGen C0023530, MONDO:0003785, HP:0001882.

Allele frequency attached by ClinVar (database versions not stated): gnomAD exomes 0.00001 and below 0.00001.

Submissions (7):

CeGaT Center for Human Genetics Tuebingen
Classification: Pathogenic. Last evaluated: 2026-08-01. Review status: criteria provided, single submitter. Criteria: CeGaT Center For Human Genetics Tuebingen Variant Classification Criteria Version 2. Collection method: clinical testing. Allele origin: germline. Affected: yes. Observed: 1 variant allele.
Comment: SLC37A4: PM3:Very Strong, PM1, PM2, PS3:Supporting

Labcorp Genetics (formerly Invitae), Labcorp
Classification: Pathogenic for Glucose-6-phosphate transport defect. Last evaluated: 2025-05-21. Review status: criteria provided, single submitter. Criteria: Invitae Variant Classification Sherloc (09022015). Collection method: clinical testing. Allele origin: germline.
Comment: This sequence change replaces asparagine, which is neutral and polar, with lysine, which is basic and polar, at codon 27 of the SLC37A4 protein (p.Asn27Lys). This variant is present in population databases (rs193302889, gnomAD 0.002%). This missense change has been observed in individuals with glycogen storage disease type 1b (PMID: 10923042, 28685844). It has also been observed to segregate with disease in related individuals. This variant is also known as c.250T>A. ClinVar contains an entry for this variant (Variation ID: 68290). Invitae Evidence Modeling of protein sequence and biophysical properties (such as structural, functional, and spatial information, amino acid conservation, physicochemical variation, residue mobility, and thermodynamic stability) indicates that this missense variant is expected to disrupt SLC37A4 protein function with a positive predictive value of 80%. Experimental studies have shown that this missense change affects SLC37A4 function (PMID: 12444104). For these reasons, this variant has been classified as Pathogenic.

Baylor Genetics
Classification: Pathogenic for Glucose-6-phosphate transport defect. Last evaluated: 2023-12-17. Review status: criteria provided, single submitter. Criteria: ACMG Guidelines, 2015. Collection method: clinical testing. Allele origin: unknown.

Illumina Laboratory Services, Illumina
Classification: Uncertain significance for Glycogen storage disease, type I. Last evaluated: 2018-01-13. Review status: criteria provided, single submitter. Criteria: ICSL Variant Classification Criteria 13 December 2019. Collection method: clinical testing. Allele origin: germline.

Counsyl
Classification: Likely pathogenic for Glucose-6-phosphate transport defect. Last evaluated: 2017-12-06. Review status: no assertion criteria provided. Collection method: clinical testing. Allele origin: unknown. Not counted in ClinVar's aggregate classification.

Centre for Mendelian Genomics, University Medical Centre Ljubljana
Classification: Likely pathogenic for Recurrent respiratory infections; Immunodeficiency; Hepatomegaly; Decreased total leukocyte count; Decreased total neutrophil count; Splenomegaly. Last evaluated: 2016-05-30. Review status: no assertion criteria provided. Collection method: clinical testing. Allele origin: unknown. Affected: yes. Not counted in ClinVar's aggregate classification.

UniProtKB/Swiss-Prot
No classification provided. Review status: no classification provided. Collection method: not provided. Allele origin: not provided. Not counted in ClinVar's aggregate classification.

Literature cited by the submitters: PubMed 10923042 (cited by Labcorp Genetics (formerly Invitae), Labcorp); PubMed 28685844 (cited by Labcorp Genetics (formerly Invitae), Labcorp); PubMed 12444104 (cited by Labcorp Genetics (formerly Invitae), Labcorp and Counsyl); PubMed 26913919 (cited by Counsyl); PubMed 17994282 (cited by Counsyl); PubMed 15669677 (cited by Counsyl).

NM_001164277.2(SLC37A4):c.81T>A (p.Asn27Lys)

Gene: SLC37A4 (solute carrier family 37 member 4; minus strand). Cytogenetic location: 11q23.3.
Variant type: single nucleotide variant.
Coding change: c.81T>A on transcript NM_001164277.2 (MANE Select); coding-DNA position 81, T replaced by A.
Protein change: p.Asn27Lys; replaces asparagine 27 with lysine.
Molecular consequence: missense variant. On other transcripts: intron variant (1).
Genome position (GRCh38, 1-based): chr11:119,029,289, A>T on the plus strand (T>A on the coding strand, the complement: SLC37A4 is on the minus strand). VCF-style: chr11-119029289-A-T. GRCh37 (hg19) VCF-style: chr11-118899999-A-T.
Other names: c.81T>A, p.Asn27Lys (NM_001164278.2, NM_001164280.2, NM_001467.6); c.-172+103T>A (NM_001164279.2); short protein forms N27K.
Identifiers: ClinVar variation 68290 (VCV000068290.17), dbSNP rs193302889, ClinGen allele CA219349.